The following is an entry in ClinVar:

NM_000133.4(F9):c.1353C>T (p.Val451=)

Gene: F9 (coagulation factor IX; plus strand). Cytogenetic location: Xq27.1.
Variant type: single nucleotide variant.
Coding change: c.1353C>T on transcript NM_000133.4 (MANE Select); coding-DNA position 1353, C replaced by T.
Protein change: p.Val451=; no amino-acid change (valine 451 retained).
Molecular consequence: synonymous variant.
Genome position (GRCh38, 1-based): chrX:139,562,038, C>T. VCF-style: chrX-139562038-C-T. GRCh37 (hg19) VCF-style: chrX-138644197-C-T.
Other names: c.1239C>T, p.Val413= (NM_001313913.2).
Identifiers: ClinVar variation 3251183 (VCV003251183.18), dbSNP rs2520848816.
Genomic context (GRCh38, chrX:139,562,038, plus strand): 5'-GGGTGAAGAGTGTGCAATGAAAGGCAAATATGGAATATATACCAAGGTATCCCGGTATGT[C>T]AACTGGATTAAGGAAAAAACAAAGCTCACTTAATGAAAGATGGATTTCCAAGGTTAATTC-3'
Protein context (NP_000124.1, residues 441-461): YGIYTKVSRY[Val451=]NWIKEKTKLT

ClinVar aggregate classification (germline): Likely benign (1 of 4 stars; one submission).

Submission:

CeGaT Center for Human Genetics Tuebingen
Classification: Likely benign. Last evaluated: 2024-06-01. Review status: criteria provided, single submitter. Criteria: CeGaT Center For Human Genetics Tuebingen Variant Classification Criteria Version 2. Collection method: clinical testing. Allele origin: germline. Affected: yes. Observed: 1 variant allele.
Comment: F9: PM2:Supporting, BP4, BP7